The following is an entry in ClinVar:

ClinVar aggregate classification (germline): Uncertain significance. Review status: criteria provided, multiple submitters, no conflicts (2 of 4 stars). 2 submissions from 2 submitters: Uncertain significance (2). Last evaluated 2023-06-15.

Allele frequency attached by ClinVar (database versions not stated): gnomAD exomes below 0.00001 and 0.00002; gnomAD 0.00001; TOPMed 0.00001.
gnomAD v4.1: 27 of 1,613,600 alleles (0.0017%); highest among the groups gnomAD compares: Non-Finnish European, 0.0019%; no homozygotes.

Submissions (2):

Labcorp Genetics (formerly Invitae), Labcorp
Classification: Uncertain significance. Last evaluated: 2023-06-15. Review status: criteria provided, single submitter. Criteria: Invitae Variant Classification Sherloc (09022015). Collection method: clinical testing. Allele origin: germline.
Comment: This sequence change replaces alanine, which is neutral and non-polar, with glycine, which is neutral and non-polar, at codon 431 of the IMPDH1 protein (p.Ala431Gly). This variant is present in population databases (no rsID available, gnomAD 0.0009%). In summary, the available evidence is currently insufficient to determine the role of this variant in disease. Therefore, it has been classified as a Variant of Uncertain Significance. An algorithm developed to predict the effect of missense changes on protein structure and function (PolyPhen-2) suggests that this variant is likely to be tolerated. ClinVar contains an entry for this variant (Variation ID: 1348669). This variant has not been reported in the literature in individuals affected with IMPDH1-related conditions.

Blueprint Genetics
Classification: Uncertain significance. Last evaluated: 2021-07-19. Review status: criteria provided, single submitter. Criteria: ACMG Guidelines, 2015. Collection method: clinical testing. Allele origin: germline.

NM_000883.4(IMPDH1):c.1292C>G (p.Ala431Gly)

Gene: IMPDH1 (inosine monophosphate dehydrogenase 1; minus strand). Cytogenetic location: 7q32.1.
Variant type: single nucleotide variant.
Coding change: c.1292C>G on transcript NM_000883.4 (MANE Select); coding-DNA position 1292, C replaced by G.
Protein change: p.Ala431Gly; replaces alanine 431 with glycine.
Molecular consequence: missense variant.
Genome position (GRCh38, 1-based): chr7:128,395,244, G>C on the plus strand (C>G on the coding strand, the complement: IMPDH1 is on the minus strand). VCF-style: chr7-128395244-G-C. GRCh37 (hg19) VCF-style: chr7-128035298-G-C.
Other names: c.1262C>G, p.Ala421Gly (NM_001102605.2); c.1037C>G, p.Ala346Gly (NM_001142573.2); c.1022C>G, p.Ala341Gly (NM_001142574.2); c.962C>G, p.Ala321Gly (NM_001142575.2); c.1193C>G, p.Ala398Gly (NM_001142576.2); c.1085C>G, p.Ala362Gly (NM_001304521.2); c.1184C>G, p.Ala395Gly (NM_183243.3); short protein forms A341G, A421G, A321G, A346G, A362G, A395G, A398G, A431G.
Identifiers: ClinVar variation 1348669 (VCV001348669.9), dbSNP rs1009414938, ClinGen allele CA166122589.
Genomic context (GRCh38, chr7:128,395,244, plus strand): 5'-CCGCCATCGGCTATGATGGGCACACCAAAGCGCCGGGCATACTCAGCCACCTTGTACACA[G>C]CAGTGCCCTGGGGCCGACCACAGGCCATCACTGGGGGAGGGTGGGGTGCACAAGGCAGAG-3'
Protein context (NP_000874.2, residues 421-441): VMACGRPQGT[Ala431Gly]VYKVAEYARR